The following is an entry in ClinVar:

ClinVar aggregate classification (germline): Uncertain significance. Review status: criteria provided, multiple submitters, no conflicts (2 of 4 stars). 3 submissions from 3 submitters: Uncertain significance (3). Last evaluated 2025-06-18.

Conditions:
Microcephalic osteodysplastic primordial dwarfism type II (MOPD2). Also called: Microcephalic osteodysplastic primordial dwarfism with tooth abnormalities; MOPD II; OSTEODYSPLASTIC PRIMORDIAL DWARFISM, TYPE II. Identifiers: Orphanet 2637, MedGen C0432246, MONDO:0008872, OMIM 210720.
Inborn genetic diseases. Identifiers: MedGen C0950123, MeSH D030342.

Allele frequency attached by ClinVar (database versions not stated): TOPMed 0.00003.
gnomAD v4.1: 15 of 1,604,582 alleles (0.00093%); highest among the groups gnomAD compares: East Asian, 0.031%; no homozygotes.

Submissions (3):

Ambry Genetics
Classification: Uncertain significance for Inborn genetic diseases. Last evaluated: 2025-06-18. Review status: criteria provided, single submitter. Criteria: Ambry Variant Classification Scheme 2023. Collection method: clinical testing. Allele origin: germline.

Labcorp Genetics (formerly Invitae), Labcorp
Classification: Uncertain significance. Last evaluated: 2022-04-07. Review status: criteria provided, single submitter. Criteria: Invitae Variant Classification Sherloc (09022015). Collection method: clinical testing. Allele origin: germline.
Comment: This sequence change replaces glycine, which is neutral and non-polar, with alanine, which is neutral and non-polar, at codon 170 of the PCNT protein (p.Gly170Ala). This variant is present in population databases (rs761232554, gnomAD 0.1%). This variant has not been reported in the literature in individuals affected with PCNT-related conditions. ClinVar contains an entry for this variant (Variation ID: 897151). Algorithms developed to predict the effect of missense changes on protein structure and function (SIFT, PolyPhen-2, Align-GVGD) all suggest that this variant is likely to be tolerated. In summary, the available evidence is currently insufficient to determine the role of this variant in disease. Therefore, it has been classified as a Variant of Uncertain Significance.

Illumina Laboratory Services, Illumina
Classification: Uncertain significance for Microcephalic osteodysplastic primordial dwarfism type II. Last evaluated: 2018-01-12. Review status: criteria provided, single submitter. Criteria: ICSL Variant Classification Criteria 13 December 2019. Collection method: clinical testing. Allele origin: germline.

NM_006031.6(PCNT):c.509G>C (p.Gly170Ala)

Gene: PCNT (pericentrin; plus strand). Cytogenetic location: 21q22.3.
Variant type: single nucleotide variant.
Coding change: c.509G>C on transcript NM_006031.6 (MANE Select); coding-DNA position 509, G replaced by C.
Protein change: p.Gly170Ala; replaces glycine 170 with alanine.
Molecular consequence: missense variant.
Genome position (GRCh38, 1-based): chr21:46,334,638, G>C. VCF-style: chr21-46334638-G-C. GRCh37 (hg19) VCF-style: chr21-47754552-G-C.
Other names: c.155G>C, p.Gly52Ala (NM_001315529.2); short protein forms G170A, G52A.
Identifiers: ClinVar variation 897151 (VCV000897151.6), dbSNP rs761232554, ClinGen allele CA10078283.